The following is an entry in ClinVar:

ClinVar aggregate classification (germline): Benign (1 of 4 stars; one submission).

Allele frequency attached by ClinVar (database versions not stated): 1000 Genomes Project 0.27216; 1000 Genomes Project 30x 0.27686; gnomAD 0.35847 and 0.36563; TOPMed 0.35874.
gnomAD v4.1: 54,603 of 151,992 alleles (36%); highest among the groups gnomAD compares: African/African-American, 41%; 10,287 homozygotes.

Submission:

GeneDx
Classification: Benign. Last evaluated: 2018-06-14. Review status: criteria provided, single submitter. Criteria: GeneDx Variant Classification (06012015). Collection method: clinical testing. Allele origin: germline. Affected: yes.
Comment: This variant is considered likely benign or benign based on one or more of the following criteria: it is a conservative change, it occurs at a poorly conserved position in the protein, it is predicted to be benign by multiple in silico algorithms, and/or has population frequency not consistent with disease.

NM_024809.5(TCTN2):c.764+244T>C

Gene: TCTN2 (tectonic family member 2; plus strand). Cytogenetic location: 12q24.31.
Variant type: single nucleotide variant.
Coding change: c.764+244T>C on transcript NM_024809.5 (MANE Select); 244 bases into the intron after coding-DNA position 764, T replaced by C.
Molecular consequence: intron variant.
Genome position (GRCh38, 1-based): chr12:123,687,279, T>C. VCF-style: chr12-123687279-T-C. GRCh37 (hg19) VCF-style: chr12-124171826-T-C.
Other names: c.761+244T>C (NM_001143850.3).
Identifiers: ClinVar variation 672251 (VCV000672251.1), dbSNP rs6488892, ClinGen allele CA245161801.